The following is an entry in ClinVar:

NM_001606.5(ABCA2):c.398C>T (p.Ala133Val)

Gene: ABCA2 (ATP binding cassette subfamily A member 2; minus strand). Cytogenetic location: 9q34.3.
Variant type: single nucleotide variant.
Coding change: c.398C>T on transcript NM_001606.5 (MANE Select); coding-DNA position 398, C replaced by T.
Protein change: p.Ala133Val; replaces alanine 133 with valine.
Molecular consequence: missense variant.
Genome position (GRCh38, 1-based): chr9:137,022,743, G>A on the plus strand (C>T on the coding strand, the complement: ABCA2 is on the minus strand). VCF-style: chr9-137022743-G-A. GRCh37 (hg19) VCF-style: chr9-139917195-G-A.
Other names: c.395C>T, p.Ala132Val (NM_001411042.1); c.488C>T, p.Ala163Val (NM_212533.3); short protein forms A132V, A133V, A163V.
Identifiers: ClinVar variation 3042255 (VCV003042255.2), dbSNP rs551444612, ClinGen allele CA5355861.
Genomic context (GRCh38, chr9:137,022,743, plus strand): 5'-TTCCCTGCACAGGGCACACCTGTGGATCTGTCCAGGTGGCTCCCCGAGGTGCCCGGGCCC[G>A]CACTGAGGGCCTCCAGATGCTGGCGTAGGGCCTCGAGCTCTGAGCCCAGGCTGGGCCGCG-3'
Protein context (NP_001597.2, residues 123-143): ALRQHLEALS[Ala133Val]GPGTSGSHLD

ClinVar aggregate classification (germline): Likely benign (0 of 4 stars; one submission).

Conditions:
ABCA2-related disorder. Also called: ABCA2-related condition.

Allele frequency attached by ClinVar (database versions not stated): TOPMed 0.00033; gnomAD exomes 0.00302; ExAC 0.01028; 1000 Genomes Project 30x 0.01093; 1000 Genomes Project 0.01098.
gnomAD v4.1: 4,612 of 1,604,856 alleles (0.29%); highest among the groups gnomAD compares: South Asian, 4.9%; 180 homozygotes.

Submission:

PreventionGenetics, part of Exact Sciences
Classification: Likely benign for ABCA2-related condition. Last evaluated: 2019-12-05. Review status: no assertion criteria provided. Collection method: clinical testing. Allele origin: germline.
Comment: This variant is classified as likely benign based on ACMG/AMP sequence variant interpretation guidelines (Richards et al. 2015 PMID: 25741868, with internal and published modifications).